The following is an entry in ClinVar:

NM_000094.4(COL7A1):c.5261dup (p.Gly1755fs)

Gene: COL7A1 (collagen type VII alpha 1 chain; minus strand). Cytogenetic location: 3p21.31.
Variant type: Duplication.
Coding change: c.5261dup on transcript NM_000094.4 (MANE Select); coding-DNA position 5261, one base duplicated (C; older notation c.5261dupC).
Protein change: p.Gly1755fs; shifts the reading frame from glycine 1755.
Molecular consequence: frameshift variant.
Genome position (GRCh38, 1-based): chr3:48,579,490, G duplicated on the plus strand (C on the coding strand, the reverse complement: COL7A1 is on the minus strand); the first of 5 consecutive G bases (chr3:48,579,490-48,579,494); duplicating any one gives the same sequence. VCF-style (leftmost placement, unchanged base first): chr3-48579489-T-TG. GRCh37 (hg19) VCF-style: chr3-48616922-T-TG.
Other names: c.5261dupC (NM_000094.3); short protein forms G1755fs.
Identifiers: ClinVar variation 372338 (VCV000372338.15), dbSNP rs1057517723, ClinGen allele CA16042476.
Genomic context (GRCh38, chr3:48,579,489, plus strand): 5'-AGGTGAGGGTAAGATGGGGACTTGGCAGACGGGGCAAAGTGCATCACTCACCTGTGGGCC[T>TG]GGGGGTCCCCGAAACCCTTCAATGCCCTGAGGATAGGGGAGGAAGAAATCAGAGCAGGCC-3'

ClinVar aggregate classification (germline): Pathogenic. Review status: criteria provided, multiple submitters, no conflicts (2 of 4 stars). 6 submissions from 6 submitters: Pathogenic (6). Last evaluated 2025-12-23.

Conditions:
Transient bullous dermolysis of the newborn (TBDN). Also called: DYSTROPHIC EPIDERMOLYSIS BULLOSA, NEONATAL; EPIDERMOLYSIS BULLOSA DYSTROPHICA, NEONATAL FORM. Identifiers: Orphanet 79411, MedGen C1851573, MONDO:0007548, OMIM 131705.
Pretibial dystrophic epidermolysis bullosa. Also called: Pretibial epidermolysis bullosa; Pretibial blistering; EPIDERMOLYSIS BULLOSA DYSTROPHICA, PRETIBIAL. Identifiers: Orphanet 79410, MedGen C0432321, MONDO:0007552, OMIM 131850, HP:0012221.
Dominant dystrophic epidermolysis bullosa with absence of skin. Also called: EPIDERMOLYSIS BULLOSA WITH CONGENITAL LOCALIZED ABSENCE OF SKIN AND DEFORMITY OF NAILS; EPIDERMOLYSIS BULLOSA DYSTROPHICA, BART TYPE. Identifiers: MedGen C0268371, MONDO:0007557, OMIM 132000.
Epidermolysis bullosa pruriginosa. Also called: DEB, PRURIGINOSA; DYSTROPHIC EPIDERMOLYSIS BULLOSA PRURIGINOSA. Identifiers: Orphanet 89843, MedGen C1275114, MONDO:0011398, OMIM 604129.
Nonsyndromic congenital nail disorder 8. Also called: TOENAIL DYSTROPHY, ISOLATED. Identifiers: MedGen C1843761, MONDO:0011852, OMIM 607523.
Generalized dominant dystrophic epidermolysis bullosa (DDEB). Also called: Dominant DEB (DDEB); DDEB, generalized; DDEB-gen; DYSTROPHIC EPIDERMOLYSIS BULLOSA, AUTOSOMAL DOMINANT; Epidermolysis bullosa dystrophica, autosomal dominant. Identifiers: Orphanet 231568, MedGen C0432322, MONDO:0007549, OMIM 131750.
Recessive dystrophic epidermolysis bullosa (RDEB). Also called: Hallopeau-Siemens Disease; EPIDERMOLYSIS BULLOSA DYSTROPHICA, GENERALIZED SEVERE, AUTOSOMAL RECESSIVE; Epidermolysis Bullosa Distrophica Autosomal Recessive (RDEB); epidermolysis bullosa dystrophica, autosomal recessive; Recessive DEB (RDEB); DYSTROPHIC EPIDERMOLYSIS BULLOSA, AUTOSOMAL RECESSIVE. Identifiers: Orphanet 79408, Orphanet 79409, MedGen C0079474, MONDO:0009179, OMIM 226600.
Epidermolysis bullosa dystrophica. Also called: Dystrophic epidermolysis bullosa, Hallopeau-Siemens type (formerly); Dystrophic epidermolysis bullosa. Identifiers: Orphanet 303, MedGen C0079294, MONDO:0006543.

Submissions (6):

Natera, Inc.
Classification: Pathogenic for Dystrophic epidermolysis bullosa. Last evaluated: 2025-12-23. Review status: criteria provided, single submitter. Criteria: Natera Variant Classification Schema (03/2026). Collection method: clinical testing. Allele origin: germline.
Comment: The c.5261dupC variant in COL7A1 is a frameshift variant predicted to shift the reading frame beginning at codon 1755 and leads to a stop codon 17 codons downstream. This variant is expected to result in nonsense mediated decay, truncation, or a dysfunctional protein product. This variant is rare in the general population with a frequency below the threshold expected for the associated phenotype(s). This variant has been observed in one or more individuals affected with the associated recessive disease, as either homozygous or compound heterozygous with a second variant (PMID: 27899325, 16439963, 30194425, 29326176, 19681861, 27899325). Given the available evidence, this variant is classified as Pathogenic.

Myriad Genetics, Inc.
Classification: Pathogenic for Recessive dystrophic epidermolysis bullosa. Last evaluated: 2025-02-12. Review status: criteria provided, single submitter. Criteria: Myriad Autosomal Dominant, Autosomal Recessive and X-Linked Classification Criteria (2023). Collection method: clinical testing. Allele origin: unknown.
Comment: NM_000094.3(COL7A1):c.5261dupC(G1755Rfs*17) is expected to be pathogenic in the context of dystrophic epidermolysis bullosa. This variant is predicted to lead to an abnormal or absent protein product due to the creation of a premature termination codon in COL7A1, a gene where loss-of-function variants are known to be pathogenic. Please note: this variant was assessed in the context of healthy population screening.

Fulgent Genetics
Classification: Pathogenic for Transient bullous dermolysis of the newborn; Generalized dominant dystrophic epidermolysis bullosa; Pretibial dystrophic epidermolysis bullosa; Dominant dystrophic epidermolysis bullosa with absence of skin; Recessive dystrophic epidermolysis bullosa; Epidermolysis bullosa pruriginosa; Nonsyndromic congenital nail disorder 8. Last evaluated: 2024-05-07. Review status: criteria provided, single submitter. Criteria: ACMG Guidelines, 2015. Collection method: clinical testing. Allele origin: germline.

Labcorp Genetics (formerly Invitae), Labcorp
Classification: Pathogenic. Last evaluated: 2023-08-25. Review status: criteria provided, single submitter. Criteria: Invitae Variant Classification Sherloc (09022015). Collection method: clinical testing. Allele origin: germline.
Comment: This variant is not present in population databases (gnomAD no frequency). For these reasons, this variant has been classified as Pathogenic. ClinVar contains an entry for this variant (Variation ID: 372338). This premature translational stop signal has been observed in individuals with epidermolysis bullosa dystrophica (PMID: 16439963, 19681861, 27899325). This sequence change creates a premature translational stop signal (p.Gly1755Argfs*17) in the COL7A1 gene. It is expected to result in an absent or disrupted protein product. Loss-of-function variants in COL7A1 are known to be pathogenic (PMID: 16971478).

Illumina Laboratory Services, Illumina
Classification: Pathogenic for Dystrophic epidermolysis bullosa. Last evaluated: 2017-08-24. Review status: criteria provided, single submitter. Criteria: ICSL Variant Classification Criteria 09 May 2019. Collection method: clinical testing. Allele origin: germline.
Comment: The COL7A1 c.5261dupC (p.Gly1755ArgfsTer17) variant results in a frameshift that is predicted to result in premature termination of the protein. The p.Gly1755ArgfsTer17 variant has been reported in three studies and is found in a total of four individuals with autosomal recessive dystrophic epidermolysis bullosa (DEB), including in one in a homozygous state and in three in a compound heterozygous state (Abu Sa'd et al. 2006; Kern et al. 2009; Vahidnezhad et al. 2017). Three individuals were diagnosed with severe generalized recessive DEB. Control data are unavailable for this variant. The p.Gly1755ArgfsTer17 variant is not found in the 1000 Genomes Project, the Exome Sequencing Project, the Exome Aggregation Consortium, or the Genome Aggregation Database. Based on the evidence and potential impact of frameshift variants, the p.Gly1755ArgfsTer17 variant is classified as pathogenic for dystrophic epidermolysis bullosa. This variant was observed by ICSL as part of a predisposition screen in an ostensibly healthy population.

GeneDx
Classification: Pathogenic. Last evaluated: 2016-06-10. Review status: criteria provided, single submitter. Criteria: GeneDx Variant Classification (06012015). Collection method: clinical testing. Allele origin: germline. Affected: yes.
Comment: The c.5261dupC pathogenic variant in the COL7A1 gene has been reported previously in association with dystrophic epidermolysis bullosa (DEB) in two compound heterozygous patients (Abu Sa'd et al., 2006; Kuttner et al., 2013). It has also been observed in the homozygous state in patients referred for testing at GeneDx. The duplication causes a frameshift starting with codon Glycine 1755, changes this amino acid to a Arginine residue and creates a premature Stop codon at position 17 of the new reading frame, denoted p.Gly1755ArgfsX17 and is located within the triple helical domain of the protein. This pathogenic variant is predicted to cause loss of normal protein function either through protein truncation or nonsense-mediated mRNA decay. In addition, the c.5261dupC variant was not observed in approximately 6,500 individuals of European and African American ancestry in the NHLBI Exome Sequencing Project, indicating it is not a common benign variant in these populations.

Literature cited by the submitters: PubMed 27899325 (cited by 3 submitters); PubMed 16439963 (cited by 3 submitters); PubMed 30194425 (cited by Natera, Inc.); PubMed 29326176 (cited by Natera, Inc.); PubMed 19681861 (cited by 3 submitters); PubMed 16971478 (cited by Labcorp Genetics (formerly Invitae), Labcorp).